The following is an entry in ClinVar:

ClinVar aggregate classification (germline): Uncertain significance (1 of 4 stars; one submission).

gnomAD v4.1: 1 of 1,537,246 alleles (0.000065%); highest among the groups gnomAD compares: Admixed American, 0.002%; no homozygotes.

Submission:

Women's Health and Genetics/Laboratory Corporation of America, LabCorp
Classification: Uncertain significance. Last evaluated: 2025-05-09. Review status: criteria provided, single submitter. Criteria: LabCorp Variant Classification Summary - May 2015. Collection method: clinical testing. Allele origin: germline.
Comment: Variant summary: PIEZO2 c.4070T>C (p.Ile1357Thr) results in a non-conservative amino acid change in the encoded protein sequence. Algorithms developed to predict the effect of missense changes on protein structure and function are either unavailable or do not agree on the potential impact of this missense change. The variant allele was found at a frequency of 7.1e-06 in 141540 control chromosomes (gnomAD). The available data on variant occurrences in the general population are insufficient to allow any conclusion about variant significance. To our knowledge, no occurrence of c.4070T>C in individuals affected with Arthrogryposis, distal, with impaired proprioception and touch and no experimental evidence demonstrating its impact on protein function have been reported. No submitters have cited clinical-significance assessments for this variant to ClinVar. Based on the evidence outlined above, the variant was classified as uncertain significance.

NM_001378183.1(PIEZO2):c.4145T>C (p.Ile1382Thr)

Gene: PIEZO2 (piezo type mechanosensitive ion channel component 2; minus strand). Cytogenetic location: 18p11.22.
Variant type: single nucleotide variant.
Coding change: c.4145T>C on transcript NM_001378183.1 (MANE Select); coding-DNA position 4145, T replaced by C.
Protein change: p.Ile1382Thr; replaces isoleucine 1382 with threonine.
Molecular consequence: missense variant.
Genome position (GRCh38, 1-based): chr18:10,752,658, A>G on the plus strand (T>C on the coding strand, the complement: PIEZO2 is on the minus strand). VCF-style: chr18-10752658-A-G. GRCh37 (hg19) VCF-style: chr18-10752656-A-G.
Other names: c.4145T>C, p.Ile1382Thr (NM_001410871.1); c.4070T>C, p.Ile1357Thr (NM_022068.4); short protein forms I1357T, I1382T.
Identifiers: ClinVar variation 3902344 (VCV003902344.1).
Genomic context (GRCh38, chr18:10,752,658, plus strand): 5'-GAAAACCGCAAATGTGTTATGCAGTGGCAACCACTTACTGACAGGATATTTTTCATCGTA[A>G]TCACAAAAACGTTGTATGCGATCAGCCAGTCCCAGTAGCGCAGGATGCTCTTGATGGGTT-3'
Protein context (NP_001365112.1, residues 1372-1392): DWLIAYNVFV[Ile1382Thr]TMKNILSIGA